The following is an entry in ClinVar:

NM_024426.6(WT1):c.1092C>A (p.His364Gln)

Gene: WT1 (WT1 transcription factor; minus strand). Cytogenetic location: 11p13.
Variant type: single nucleotide variant.
Coding change: c.1092C>A on transcript NM_024426.6 (MANE Select); coding-DNA position 1092, C replaced by A.
Protein change: p.His364Gln; replaces histidine 364 with glutamine.
Molecular consequence: missense variant. On other transcripts: 5 prime UTR variant (1), non-coding transcript variant (1).
Genome position (GRCh38, 1-based): chr11:32,399,969, G>T on the plus strand (C>A on the coding strand, the complement: WT1 is on the minus strand). VCF-style: chr11-32399969-G-T. GRCh37 (hg19) VCF-style: chr11-32421515-G-T.
Other names: c.1041C>A, p.His347Gln (NM_000378.6, NM_001407045.1, NM_001407048.1 and 1 more transcripts); c.441C>A, p.His147Gln (NM_001198551.2); c.390C>A, p.His130Gln (NM_001198552.2); c.-97C>A (NM_001367854.1); c.1086C>A, p.His362Gln (NM_001407044.1); c.1092C>A, p.His364Gln (NM_001407046.1, NM_024424.5); c.969C>A, p.His323Gln (NM_001407047.1); c.918C>A, p.His306Gln (NM_001407050.1); and 2 more; short protein forms H147Q, H364Q, H347Q, H130Q, H306Q, H323Q, H342Q, H110Q.
Identifiers: ClinVar variation 135454 (VCV000135454.15), dbSNP rs587778756, ClinGen allele CA016478.

ClinVar aggregate classification (germline): Uncertain significance. Review status: criteria provided, multiple submitters, no conflicts (2 of 4 stars). 5 submissions from 5 submitters: Uncertain significance (4). 1 of the submissions does not count toward it. Last evaluated 2025-12-03.

Conditions:
Drash syndrome (DDS). Also called: NEPHROPATHY, WILMS TUMOR, AND GENITAL ANOMALIES; WILMS TUMOR AND PSEUDO- OR TRUE HERMAPHRODITISM. Identifiers: Orphanet 220, MedGen C0950121, MONDO:0008682, OMIM 194080.
Wilms tumor 1 (WT1). Also called: Wilms tumor, somatic. Identifiers: Orphanet 654, MedGen CN033288, MONDO:0008679, OMIM 194070.
11p partial monosomy syndrome (WAGR). Also called: CHROMOSOME 11p13 DELETION SYNDROME; WAGR syndrome; WAGR Complex; WAGR Spectrum Disorder. Identifiers: Orphanet 893, MedGen C0206115, MONDO:0008681, OMIM 194072.
Frasier syndrome. Identifiers: Orphanet 347, MedGen C0950122, MeSH D052159, MONDO:0007635, OMIM 136680.
Inborn genetic diseases. Identifiers: MedGen C0950123, MeSH D030342.
Meacham syndrome. Also called: Meacham Winn Culler syndrome. Identifiers: Orphanet 3097, MedGen C1837026, MONDO:0012164, OMIM 608978.
Mesothelioma, malignant (MESOM). Also called: Malignant mesothelioma (disease). Identifiers: Orphanet 50251, MedGen C0345967, MONDO:0006292, OMIM 156240, HP:0100001.
Nephrotic syndrome, type 4 (NPHS4). Also called: Familial mesangial sclerosis; Nephrotic syndrome, early onset with diffuse mesangial sclerosis. Identifiers: Orphanet 656, MedGen C3151568, MONDO:0009733, OMIM 256370.

Allele frequency attached by ClinVar (database versions not stated): TOPMed 0.00001; gnomAD 0.00002.
gnomAD v4.1: 12 of 1,614,072 alleles (0.00074%); highest among the groups gnomAD compares: Middle Eastern, 0.033%; no homozygotes.

Submissions (5):

Labcorp Genetics (formerly Invitae), Labcorp
Classification: Uncertain significance for Wilms tumor 1; Drash syndrome; 11p partial monosomy syndrome; Frasier syndrome. Last evaluated: 2025-12-03. Review status: criteria provided, single submitter. Criteria: Invitae Variant Classification Sherloc (09022015). Collection method: clinical testing. Allele origin: germline.
Comment: This sequence change replaces histidine, which is basic and polar, with glutamine, which is neutral and polar, at codon 359 of the WT1 protein (p.His359Gln). This variant is present in population databases (rs587778756, gnomAD 0.01%). This variant has not been reported in the literature in individuals affected with WT1-related conditions. ClinVar contains an entry for this variant (Variation ID: 135454). Invitae Evidence Modeling of protein sequence and biophysical properties (such as structural, functional, and spatial information, amino acid conservation, physicochemical variation, residue mobility, and thermodynamic stability) indicates that this missense variant is expected to disrupt WT1 protein function with a positive predictive value of 80%. In summary, the available evidence is currently insufficient to determine the role of this variant in disease. Therefore, it has been classified as a Variant of Uncertain Significance.

Color Diagnostics, LLC DBA Color Health
Classification: Uncertain significance for Wilms tumor 1. Last evaluated: 2025-08-29. Review status: criteria provided, single submitter. Criteria: ACMG Guidelines, 2015. Collection method: clinical testing. Allele origin: germline.
Comment: This missense variant replaces histidine with glutamine at codon 359 of the WT1 protein. Computational prediction suggests that this variant may not impact protein structure and function. To our knowledge, functional studies have not been reported for this variant. This variant has not been reported in individuals affected with WT1-related disorders in the literature. This variant has been identified in 2/282814 chromosomes in the general population by the Genome Aggregation Database (gnomAD). The available evidence is insufficient to determine the role of this variant in disease conclusively. Therefore, this variant is classified as a Variant of Uncertain Significance.

Ambry Genetics
Classification: Uncertain significance for Inborn genetic diseases. Last evaluated: 2025-02-07. Review status: criteria provided, single submitter. Criteria: Ambry Variant Classification Scheme 2023. Collection method: clinical testing. Allele origin: germline.
Comment: The p.H359Q variant (also known as c.1077C>A), located in coding exon 6 of the WT1 gene, results from a C to A substitution at nucleotide position 1077. The histidine at codon 359 is replaced by glutamine, an amino acid with highly similar properties. This amino acid position is highly conserved in available vertebrate species. In addition, the in silico prediction for this alteration is inconclusive. Based on the available evidence, the clinical significance of this variant remains unclear.

Fulgent Genetics
Classification: Uncertain significance for Frasier syndrome; Mesothelioma, malignant; Wilms tumor 1; Drash syndrome; Nephrotic syndrome, type 4; Meacham syndrome. Last evaluated: 2024-04-18. Review status: criteria provided, single submitter. Criteria: ACMG Guidelines, 2015. Collection method: clinical testing. Allele origin: germline.

ITMI
No classification provided. Condition: AllHighlyPenetrant. Last evaluated: 2013-09-19. Review status: no classification provided. Collection method: reference population. Allele origin: germline. Not counted in ClinVar's aggregate classification.
Comment: Please see associated publication for description of ethnicities

Literature cited by the submitters: PubMed 24728327 (cited by ITMI).